The following is an entry in ClinVar:

NM_032776.3(JMJD1C):c.523G>A (p.Glu175Lys)

Gene: JMJD1C (jumonji domain containing 1C; minus strand). Cytogenetic location: 10q21.3.
Variant type: single nucleotide variant.
Coding change: c.523G>A on transcript NM_032776.3 (MANE Select); coding-DNA position 523, G replaced by A.
Protein change: p.Glu175Lys; replaces glutamic acid 175 with lysine.
Molecular consequence: missense variant. On other transcripts: 5 prime UTR variant (3), intron variant (2).
Genome position (GRCh38, 1-based): chr10:63,219,908, C>T on the plus strand (G>A on the coding strand, the complement: JMJD1C is on the minus strand). VCF-style: chr10-63219908-C-T. GRCh37 (hg19) VCF-style: chr10-64979668-C-T.
Other names: c.-24G>A (NM_001282948.2, NM_001318154.2); c.-346G>A (NM_001318153.2); c.409G>A, p.Glu137Lys (NM_001322252.2); c.-104-2577G>A (NM_001322258.2, NM_001322254.2); short protein forms E137K, E175K.
Identifiers: ClinVar variation 2128982 (VCV002128982.4), dbSNP rs2492856298, ClinGen allele CA377053999.

ClinVar aggregate classification (germline): Uncertain significance (1 of 4 stars; one submission).

Conditions:
Early Myoclonic Encephalopathy. Identifiers: MedGen C0270855.

Submission:

Labcorp Genetics (formerly Invitae), Labcorp
Classification: Uncertain significance for Early Myoclonic Encephalopathy. Last evaluated: 2022-06-07. Review status: criteria provided, single submitter. Criteria: Invitae Variant Classification Sherloc (09022015). Collection method: clinical testing. Allele origin: germline.
Comment: This sequence change replaces glutamic acid, which is acidic and polar, with lysine, which is basic and polar, at codon 175 of the JMJD1C protein (p.Glu175Lys). This variant is not present in population databases (gnomAD no frequency). This variant has not been reported in the literature in individuals affected with JMJD1C-related conditions. Algorithms developed to predict the effect of missense changes on protein structure and function are either unavailable or do not agree on the potential impact of this missense change (SIFT: "Deleterious"; PolyPhen-2: "Possibly Damaging"; Align-GVGD: "Class C0"). In summary, the available evidence is currently insufficient to determine the role of this variant in disease. Therefore, it has been classified as a Variant of Uncertain Significance.